The following is an entry in ClinVar:

ClinVar aggregate classification (germline): Likely pathogenic. Review status: criteria provided, multiple submitters, no conflicts (2 of 4 stars). 3 submissions from 3 submitters: Likely pathogenic (3). Last evaluated 2026-01-20.

Conditions:
Familial thoracic aortic aneurysm and aortic dissection (TAAD). Also called: Thoracic aortic aneurysms and dissections. Identifiers: Orphanet 91387, MedGen C4707243, MONDO:0019625.

Submissions (3):

Labcorp Genetics (formerly Invitae), Labcorp
Classification: Likely pathogenic for Familial thoracic aortic aneurysm and aortic dissection. Last evaluated: 2026-01-20. Review status: criteria provided, single submitter. Criteria: Invitae Variant Classification Sherloc (09022015). Collection method: clinical testing. Allele origin: germline.
Comment: This variant, c.349_351del, results in the deletion of 1 amino acid(s) of the SMAD3 protein (p.Lys117del), but otherwise preserves the integrity of the reading frame. This variant is not present in population databases (gnomAD no frequency). This variant has been observed in individuals with clinical features of SMAD3-related conditions (PMID: 30661052; internal data). It has also been observed to segregate with disease in related individuals. ClinVar contains an entry for this variant (Variation ID: 1196765). In summary, the currently available evidence indicates that the variant is pathogenic, but additional data are needed to prove that conclusively. Therefore, this variant has been classified as Likely Pathogenic.

Ambry Genetics
Classification: Likely pathogenic for Familial thoracic aortic aneurysm and aortic dissection. Last evaluated: 2024-09-11. Review status: criteria provided, single submitter. Criteria: Ambry Variant Classification Scheme 2023. Collection method: clinical testing. Allele origin: germline.
Comment: The c.349_351delAAG variant (also known as p.K117del) is located in coding exon 2 of the SMAD3 gene. This variant results from an in-frame AAG deletion at nucleotide positions 349 to 351. This results in the in-frame deletion of a lysine at codon 117. This variant (also referred to as p.K116del) was identified in one or more individuals with features consistent with Loeys-Dietz syndrome and/or aortic aneurysm and dissection, and segregated with disease in at least one family (Hostetler EM et al. J. Med. Genet. 2019 04;56:252-260; Wolford BN et al. Circ Genom Precis Med. 2019 Jun;12(6):e002476; Beil A et al. BMC Med Genomics. 2021 Mar;14(1):66; external communication; Ambry internal data). This amino acid position is highly conserved in available vertebrate species. In addition, this alteration is predicted to be deleterious by in silico analysis (Choi Y et al. PLoS ONE. 2012; 7(10):e46688). This variant is considered to be rare based on population cohorts in the Genome Aggregation Database (gnomAD). Based on the majority of available evidence to date, this variant is likely to be pathogenic.

GeneDx
Classification: Likely pathogenic. Last evaluated: 2023-11-20. Review status: criteria provided, single submitter. Criteria: GeneDx Variant Classification Process June 2021. Collection method: clinical testing. Allele origin: germline. Affected: yes.
Comment: Not observed at significant frequency in large population cohorts (gnomAD); In silico analysis supports a deleterious effect on protein structure/function; In-frame deletion of 1 amino acid in a non-repeat region; This variant is associated with the following publications: (PMID: 30661052)

Literature cited by the submitters: PubMed 30661052 (cited by Labcorp Genetics (formerly Invitae), Labcorp and Ambry Genetics); PubMed 31211624 (cited by Ambry Genetics); PubMed 33648514 (cited by Ambry Genetics).

NM_005902.4(SMAD3):c.346AAG[1] (p.Lys117del)

Gene: SMAD3 (SMAD family member 3; plus strand). Cytogenetic location: 15q22.33.
Variant type: Microsatellite.
Coding change: c.346AAG[1] on transcript NM_005902.4 (MANE Select); one copy of the 3-base unit AAG starting at c.346; the reference has two copies in a row; one copy, 3 bases deleted; also written c.349_351del.
Protein change: p.Lys117del; deletes lysine 117.
Molecular consequence: inframe deletion.
Genome position (GRCh38, 1-based): chr15:67,165,037-67,165,039, AAG deleted; deleting any 3 consecutive bases within chr15:67,165,033-67,165,039 gives the same sequence; the position shown is the placement nearest the transcript's 3' end. VCF-style (leftmost placement, unchanged base first): chr15-67165032-TGAA-T. GRCh37 (hg19) VCF-style: chr15-67457370-TGAA-T.
Other names: c.349_351del (NM_005902.3); c.349_351delAAG (NM_005902.3); c.31AAG[1], p.Lys12del (NM_001145102.2); c.214AAG[1], p.Lys73del (NM_001145103.2); short protein forms K117del, K12del, K73del.
Identifiers: ClinVar variation 1196765 (VCV001196765.11), dbSNP rs2140294164, ClinGen allele CA491071609.